The following is an entry in ClinVar:

NM_001035.3(RYR2):c.6655A>G (p.Ser2219Gly)

Gene: RYR2 (ryanodine receptor 2; plus strand). Cytogenetic location: 1q43.
Variant type: single nucleotide variant.
Coding change: c.6655A>G on transcript NM_001035.3 (MANE Select); coding-DNA position 6655, A replaced by G.
Protein change: p.Ser2219Gly; replaces serine 2219 with glycine.
Molecular consequence: missense variant.
Genome position (GRCh38, 1-based): chr1:237,633,677, A>G. VCF-style: chr1-237633677-A-G. GRCh37 (hg19) VCF-style: chr1-237796977-A-G.
Other names: short protein forms S2219G.
Identifiers: ClinVar variation 3385768 (VCV003385768.1).

ClinVar aggregate classification (germline): Uncertain significance (1 of 4 stars; one submission).

Conditions:
Catecholaminergic polymorphic ventricular tachycardia (CVPT). Also called: Catecholamine-induced polymorphic ventricular tachycardia. Identifiers: Orphanet 3286, MedGen C5574922, MONDO:0017990.

Submission:

All of Us Research Program, National Institutes of Health
Classification: Uncertain significance for Catecholaminergic polymorphic ventricular tachycardia. Last evaluated: 2024-03-05. Review status: criteria provided, single submitter. Criteria: ACMG Guidelines, 2015. Collection method: clinical testing. Allele origin: germline. Inheritance: Autosomal dominant inheritance. Observed: 1 variant allele, 1 heterozygote.
Comment: This study involves interpretation of variants in research participants for the purpose of population health screening. Participant phenotype was not available at the time of variant classification. Additional details can be found in publication PMID: 35346344, PMCID: PMC8962531